The following is an entry in ClinVar:

ClinVar aggregate classification (germline): Uncertain significance (1 of 4 stars; one submission).

Conditions:
Hereditary spastic paraplegia 11. Also called: SPASTIC PARAPLEGIA, AUTOSOMAL RECESSIVE, COMPLICATED, WITH THIN CORPUS CALLOSUM; SPASTIC PARAPLEGIA, AUTOSOMAL RECESSIVE, WITH MENTAL IMPAIRMENT AND THIN CORPUS CALLOSUM; Spastic paraplegia, mental retardation and thin corpus callosum; Spastic Paraplegia 11; Nakamura Osame syndrome; Autosomal recessive hereditary spastic paraplegia, mental impairment, and thin corpus callosum. Identifiers: Orphanet 2822, MedGen C1858479, MONDO:0011445, OMIM 604360.

Allele frequency attached by ClinVar (database versions not stated): gnomAD exomes below 0.00001.
gnomAD v4.1: 2 of 1,614,124 alleles (0.00012%); highest among the groups gnomAD compares: Admixed American, 0.0033%; no homozygotes.

Submission:

Labcorp Genetics (formerly Invitae), Labcorp
Classification: Uncertain significance for Hereditary spastic paraplegia 11. Last evaluated: 2023-01-04. Review status: criteria provided, single submitter. Criteria: Invitae Variant Classification Sherloc (09022015). Collection method: clinical testing. Allele origin: germline.
Comment: This sequence change replaces alanine, which is neutral and non-polar, with threonine, which is neutral and polar, at codon 2141 of the SPG11 protein (p.Ala2141Thr). In summary, the available evidence is currently insufficient to determine the role of this variant in disease. Therefore, it has been classified as a Variant of Uncertain Significance. Advanced modeling of protein sequence and biophysical properties (such as structural, functional, and spatial information, amino acid conservation, physicochemical variation, residue mobility, and thermodynamic stability) performed at Invitae indicates that this missense variant is not expected to disrupt SPG11 protein function. This variant has not been reported in the literature in individuals affected with SPG11-related conditions. This variant is present in population databases (no rsID available, gnomAD 0.003%).

NM_025137.4(SPG11):c.6421G>A (p.Ala2141Thr)

Gene: SPG11 (SPG11 vesicle trafficking associated, spatacsin; minus strand). Cytogenetic location: 15q21.1.
Variant type: single nucleotide variant.
Coding change: c.6421G>A on transcript NM_025137.4 (MANE Select); coding-DNA position 6421, G replaced by A.
Protein change: p.Ala2141Thr; replaces alanine 2141 with threonine.
Molecular consequence: missense variant.
Genome position (GRCh38, 1-based): chr15:44,570,581, C>T on the plus strand (G>A on the coding strand, the complement: SPG11 is on the minus strand). VCF-style: chr15-44570581-C-T. GRCh37 (hg19) VCF-style: chr15-44862779-C-T.
Other names: c.6082G>A, p.Ala2028Thr (NM_001160227.2); c.6277G>A, p.Ala2093Thr (NM_001411132.1); short protein forms A2028T, A2093T, A2141T.
Identifiers: ClinVar variation 1895858 (VCV001895858.5), dbSNP rs1181165937, ClinGen allele CA392216349.